The following is an entry in ClinVar:

NM_001177693.2(ARHGEF28):c.375G>A (p.Thr125=)

Gene: ARHGEF28 (Rho guanine nucleotide exchange factor 28; plus strand). Cytogenetic location: 5q13.2.
Variant type: single nucleotide variant.
Coding change: c.375G>A on transcript NM_001177693.2 (MANE Select); coding-DNA position 375, G replaced by A.
Protein change: p.Thr125=; no amino-acid change (threonine 125 retained).
Molecular consequence: synonymous variant. On other transcripts: intron variant (1).
Genome position (GRCh38, 1-based): chr5:73,753,102, G>A. VCF-style: chr5-73753102-G-A. GRCh37 (hg19) VCF-style: chr5-73048927-G-A.
Other names: c.375G>A, p.Thr125= (NM_001080479.3, NM_001388078.1); c.181+3118G>A (NM_001388076.1).
Identifiers: ClinVar variation 3355163 (VCV003355163.2).

ClinVar aggregate classification (germline): Likely benign (1 of 4 stars; one submission).

Conditions:
ARHGEF28-related disorder. Also called: ARHGEF28-related condition.

gnomAD v4.1: 15 of 1,598,084 alleles (0.00094%); highest among the groups gnomAD compares: African/African-American, 0.0013%; no homozygotes.

Submission:

PreventionGenetics, part of Exact Sciences
Classification: Likely benign for ARHGEF28-related condition. Last evaluated: 2026-08-07. Review status: criteria provided, single submitter. Criteria: ACMG Guidelines, 2015. Collection method: clinical testing. Allele origin: germline.
Comment: This variant is classified as likely benign based on ACMG/AMP sequence variant interpretation guidelines (Richards et al. 2015 PMID: 25741868, with internal and published modifications).